The following is an entry in ClinVar:

ClinVar aggregate classification (germline): Uncertain significance (1 of 4 stars; one submission).

Submission:

Labcorp Genetics (formerly Invitae), Labcorp
Classification: Uncertain significance. Last evaluated: 2023-02-27. Review status: criteria provided, single submitter. Criteria: Invitae Variant Classification Sherloc (09022015). Collection method: clinical testing. Allele origin: germline.
Comment: In summary, the available evidence is currently insufficient to determine the role of this variant in disease. Therefore, it has been classified as a Variant of Uncertain Significance. Advanced modeling of protein sequence and biophysical properties (such as structural, functional, and spatial information, amino acid conservation, physicochemical variation, residue mobility, and thermodynamic stability) performed at Invitae indicates that this missense variant is not expected to disrupt TCF3 protein function. This variant has not been reported in the literature in individuals affected with TCF3-related conditions. This variant is not present in population databases (gnomAD no frequency). This sequence change replaces proline, which is neutral and non-polar, with serine, which is neutral and polar, at codon 9 of the TCF3 protein (p.Pro9Ser).

NM_003200.5(TCF3):c.25C>T (p.Pro9Ser)

Gene: TCF3 (transcription factor 3; minus strand). Cytogenetic location: 19p13.3.
Variant type: single nucleotide variant.
Coding change: c.25C>T on transcript NM_003200.5 (MANE Select); coding-DNA position 25, C replaced by T.
Protein change: p.Pro9Ser; replaces proline 9 with serine.
Molecular consequence: missense variant.
Genome position (GRCh38, 1-based): chr19:1,650,224, G>A on the plus strand (C>T on the coding strand, the complement: TCF3 is on the minus strand). VCF-style: chr19-1650224-G-A. GRCh37 (hg19) VCF-style: chr19-1650223-G-A.
Other names: c.25C>T, p.Pro9Ser (NM_001136139.4, NM_001351778.2, NM_001351779.2); short protein forms P9S.
Identifiers: ClinVar variation 2835053 (VCV002835053.3), dbSNP rs2512343296, ClinGen allele CA403080479.